The following is an entry in ClinVar:

ClinVar aggregate classification (germline): Pathogenic/Likely pathogenic. Review status: criteria provided, multiple submitters, no conflicts (2 of 4 stars). 5 submissions from 5 submitters: Pathogenic (2); Likely pathogenic (3). Last evaluated 2025-12-03.

Conditions:
Malaria, susceptibility to. Identifiers: Orphanet 673, MedGen C1970028, MONDO:0021024, OMIM 611162.
Anemia, nonspherocytic hemolytic, due to G6PD deficiency (CNSHA1). Also called: Class I glucose-6-phosphate dehydrogenase deficiency; Favism, susceptibility to; ANEMIA, CONGENITAL, NONSPHEROCYTIC HEMOLYTIC, 1; Hemolytic anemia due to G6PD deficiency. Identifiers: Orphanet 466026, MedGen C2720289, MONDO:0010480, OMIM 300908.

Allele frequency attached by ClinVar (database versions not stated): ExAC 0.00001; gnomAD exomes 0.00002; TOPMed 0.00002.
gnomAD v4.1: 7 of 1,211,544 alleles (0.00058%); highest among the groups gnomAD compares: Admixed American, 0.0065%; no homozygotes.

Submissions (5):

Labcorp Genetics (formerly Invitae), Labcorp
Classification: Pathogenic for Anemia, nonspherocytic hemolytic, due to G6PD deficiency. Last evaluated: 2025-12-03. Review status: criteria provided, single submitter. Criteria: Invitae Variant Classification Sherloc (09022015). Collection method: clinical testing. Allele origin: germline.
Comment: This sequence change replaces tyrosine, which is neutral and polar, with cysteine, which is neutral and slightly polar, at codon 70 of the G6PD protein (p.Tyr70Cys). This variant is present in population databases (rs782090947, gnomAD 0.008%). This missense change has been observed in individual(s) with Glucose-6-phosphate dehydrogenase deficiency (PMID: 7577654, 20621077, 21446359). This variant is also known as G6PD Murcia. ClinVar contains an entry for this variant (Variation ID: 449323). Invitae Evidence Modeling of protein sequence and biophysical properties (such as structural, functional, and spatial information, amino acid conservation, physicochemical variation, residue mobility, and thermodynamic stability) indicates that this missense variant is expected to disrupt G6PD protein function with a positive predictive value of 95%. This variant disrupts the p.Tyr70 amino acid residue in G6PD. Other variant(s) that disrupt this residue have been determined to be pathogenic (PMID: 7825590, 17233850). This suggests that this residue is clinically significant, and that variants that disrupt this residue are likely to be disease-causing. For these reasons, this variant has been classified as Pathogenic.

Baylor Genetics
Classification: Likely pathogenic for Malaria, susceptibility to. Last evaluated: 2024-03-24. Review status: criteria provided, single submitter. Criteria: ACMG Guidelines, 2015. Collection method: clinical testing. Allele origin: unknown.

Revvity Omics, Revvity
Classification: Likely pathogenic for Anemia, nonspherocytic hemolytic, due to G6PD deficiency. Last evaluated: 2023-06-06. Review status: criteria provided, single submitter. Criteria: ACMG Guidelines, 2015. Collection method: clinical testing. Allele origin: germline.

Dunham Lab, University of Washington
Classification: Pathogenic for Anemia, nonspherocytic hemolytic, due to G6PD deficiency. Last evaluated: 2022-08-12. Review status: criteria provided, single submitter. Criteria: Bayesian ACMG Guidelines, 2018. Collection method: curation. Allele origin: maternal. Affected: yes.
Comment: Variant found in unrelated hemizygotes with anemia and favism (PS4_M, PP4), and also in heterozygous mother (PP1). Decreased activity in red blood cells (5-36%) (PS3). Predicted to be damaging by SIFT and probably damaging by PolyPhen (PP3). Below expected carrier frequency in gnomAD (PM2).

GeneDx
Classification: Likely pathogenic. Last evaluated: 2017-10-13. Review status: criteria provided, single submitter. Criteria: GeneDx Variant Classification (06012015). Collection method: clinical testing. Allele origin: germline. Affected: yes.
Comment: The Y70C variant in the G6PD gene, also called G6PD Murcia, has been reported previously in symptomatic and asymptomatic males with G6PD deficiency (Rovira et al., 1995; Hamada et al., 2010; Minucci et al., 2010). The Y70C variant is observed in 2/26578 (0.01%) alleles from individuals of Latino background in the ExAC dataset (Lek et al., 2016). The Y70C variant is a non-conservative amino acid substitution, which is likely to impact secondary protein structure as these residues differ in polarity, charge, size and/or other properties. This substitution occurs at a position that is not conserved across species, however, in silico analysis predicts this variant is probably damaging to the protein structure/function. Biochemical analysis of Y70C indicates that it leads to 10-60% of G6PD activity and is considered a class III variant, which may be associated with hemolytic episodes (Cunningham et al., 2017). A different missense variant at the same residue, Y70H, also called G6PD Namoru, has been identified in males with G6PD deficiency and is classified as a class II variant (Ganczakowski et al., 1995: Cunningham et al., 2017). We interpret Y70C as a likely pathogenic variant.

Literature cited by the submitters: PubMed 7577654 (cited by Labcorp Genetics (formerly Invitae), Labcorp and Dunham Lab, University of Washington); PubMed 20621077 (cited by Labcorp Genetics (formerly Invitae), Labcorp and Dunham Lab, University of Washington); PubMed 21446359 (cited by Labcorp Genetics (formerly Invitae), Labcorp); PubMed 7825590 (cited by Labcorp Genetics (formerly Invitae), Labcorp); PubMed 17233850 (cited by Labcorp Genetics (formerly Invitae), Labcorp); PubMed 34620237 (cited by Dunham Lab, University of Washington).

NM_001360016.2(G6PD):c.209A>G (p.Tyr70Cys)

Gene: G6PD (glucose-6-phosphate dehydrogenase; minus strand). Cytogenetic location: Xq28.
Variant type: single nucleotide variant.
Coding change: c.209A>G on transcript NM_001360016.2 (MANE Select); coding-DNA position 209, A replaced by G.
Protein change: p.Tyr70Cys; replaces tyrosine 70 with cysteine.
Molecular consequence: missense variant.
Genome position (GRCh38, 1-based): chrX:154,535,995, T>C on the plus strand (A>G on the coding strand, the complement: G6PD is on the minus strand). VCF-style: chrX-154535995-T-C. GRCh37 (hg19) VCF-style: chrX-153764210-T-C.
Other names: G6PD Murcia; G6PD Oristano; c.299A>G, p.Tyr100Cys (NM_000402.4); c.209A>G, p.Tyr70Cys (NM_001042351.3); short protein forms Y100C, Y70C.
Identifiers: ClinVar variation 449323 (VCV000449323.13), dbSNP rs782090947, ClinGen allele CA10566301.